The following is an entry in ClinVar:

NM_001372076.1(PAX9):c.689G>A (p.Arg230His)

Gene: PAX9 (paired box 9; plus strand). Cytogenetic location: 14q13.3.
Variant type: single nucleotide variant.
Coding change: c.689G>A on transcript NM_001372076.1 (MANE Select); coding-DNA position 689, G replaced by A.
Protein change: p.Arg230His; replaces arginine 230 with histidine.
Molecular consequence: missense variant.
Genome position (GRCh38, 1-based): chr14:36,666,519, G>A. VCF-style: chr14-36666519-G-A. GRCh37 (hg19) VCF-style: chr14-37135724-G-A.
Other names: c.689G>A, p.Arg230His (NM_006194.4); short protein forms R230H.
Identifiers: ClinVar variation 880672 (VCV000880672.5), dbSNP rs368787836, ClinGen allele CA7159064.

ClinVar aggregate classification (germline): Uncertain significance. Review status: criteria provided, multiple submitters, no conflicts (2 of 4 stars). 2 submissions from 2 submitters: Uncertain significance (2). Last evaluated 2026-09-25.

Conditions:
Tooth agenesis, selective, 3 (STHAG3). Also called: HYPODONTIA/OLIGODONTIA 3. Identifiers: Orphanet 99798, MedGen C1970291, MONDO:0011477, OMIM 604625. Disease mechanism: loss of function.
PAX9-related disorder. Also called: PAX9-related condition.

Allele frequency attached by ClinVar (database versions not stated): gnomAD exomes 0.00002; TOPMed 0.00002; ExAC 0.00003; gnomAD 0.00004; ESP Exome Variant Server 0.00008.
gnomAD v4.1: 50 of 1,603,272 alleles (0.0031%); highest among the groups gnomAD compares: Non-Finnish European, 0.0039%; no homozygotes.

Submissions (2):

PreventionGenetics, part of Exact Sciences
Classification: Uncertain significance for PAX9-related condition. Last evaluated: 2026-09-25. Review status: criteria provided, single submitter. Criteria: ACMG Guidelines, 2015. Collection method: clinical testing. Allele origin: germline.
Comment: The PAX9 c.689G>A variant is predicted to result in the amino acid substitution p.Arg230His. To our knowledge, this variant has not been reported in the literature. This variant is reported in 0.0072% of alleles in individuals of South Asian descent in gnomAD. At this time, the clinical significance of this variant is uncertain due to the absence of conclusive functional and genetic evidence.

Illumina Laboratory Services, Illumina
Classification: Uncertain significance for Tooth agenesis, selective, 3. Last evaluated: 2018-01-13. Review status: criteria provided, single submitter. Criteria: ICSL Variant Classification Criteria 13 December 2019. Collection method: clinical testing. Allele origin: germline.